The following is an entry in ClinVar:

ClinVar aggregate classification (germline): Uncertain significance (1 of 4 stars; one submission).

Conditions:
Spondylocostal dysostosis 3, autosomal recessive (SCDO3). Also called: LFNG-Related Spondylocostal Dysostosis, Autosomal Recessive. Identifiers: Orphanet 2311, MedGen C1853296, MONDO:0012349, OMIM 609813.

Allele frequency attached by ClinVar (database versions not stated): TOPMed below 0.00001.

Submission:

Labcorp Genetics (formerly Invitae), Labcorp
Classification: Uncertain significance for Spondylocostal dysostosis 3, autosomal recessive. Last evaluated: 2022-06-24. Review status: criteria provided, single submitter. Criteria: Invitae Variant Classification Sherloc (09022015). Collection method: clinical testing. Allele origin: germline.
Comment: This sequence change replaces alanine, which is neutral and non-polar, with glycine, which is neutral and non-polar, at codon 14 of the LFNG protein (p.Ala14Gly). This variant is not present in population databases (gnomAD no frequency). This variant has not been reported in the literature in individuals affected with LFNG-related conditions. Algorithms developed to predict the effect of missense changes on protein structure and function are either unavailable or do not agree on the potential impact of this missense change (SIFT: "Deleterious"; PolyPhen-2: "Benign"; Align-GVGD: "Class C0"). In summary, the available evidence is currently insufficient to determine the role of this variant in disease. Therefore, it has been classified as a Variant of Uncertain Significance.

NM_001040167.2(LFNG):c.41C>G (p.Ala14Gly)

Genes: LFNG (LFNG O-fucosylpeptide 3-beta-N-acetylglucosaminyltransferase; plus strand), LOC129997823 (ATAC-STARR-seq lymphoblastoid silent region 17876; plus strand). Cytogenetic location: 7p22.3.
Variant type: single nucleotide variant.
Coding change: c.41C>G on transcript NM_001040167.2 (MANE Select); coding-DNA position 41, C replaced by G.
Protein change: p.Ala14Gly; replaces alanine 14 with glycine.
Molecular consequence: missense variant. On other transcripts: intron variant (2).
Genome position (GRCh38, 1-based): chr7:2,519,902, C>G. VCF-style: chr7-2519902-C-G. GRCh37 (hg19) VCF-style: chr7-2559536-C-G.
Other names: c.41C>G, p.Ala14Gly (NM_001040168.2); c.220-4793C>G (NM_001166355.2); c.45+1304C>G (NM_002304.3); short protein forms A14G.
Identifiers: ClinVar variation 2047457 (VCV002047457.4), dbSNP rs1779735169, ClinGen allele CA366612804.